The following is an entry in ClinVar:

ClinVar aggregate classification (germline): Pathogenic (1 of 4 stars; one submission).

Conditions:
Multiple endocrine neoplasia, type 1 (MEN1). Also called: MEN I; WERMER SYNDROME; Endocrine adenomatosis multiple; MEN 1; MEA I. Identifiers: Orphanet 652, MedGen C0025267, MeSH D018761, MONDO:0007540, OMIM 131100.

Submission:

Labcorp Genetics (formerly Invitae), Labcorp
Classification: Pathogenic for Multiple endocrine neoplasia, type 1. Last evaluated: 2024-02-23. Review status: criteria provided, single submitter. Criteria: Invitae Variant Classification Sherloc (09022015). Collection method: clinical testing. Allele origin: germline.
Comment: This sequence change creates a premature translational stop signal (p.Ala541Glnfs*18) in the MEN1 gene. While this is not anticipated to result in nonsense mediated decay, it is expected to disrupt the last 70 amino acid(s) of the MEN1 protein. This variant is not present in population databases (gnomAD no frequency). This variant has not been reported in the literature in individuals affected with MEN1-related conditions. This variant disrupts a region of the MEN1 protein in which other variant(s) (p.Thr580Argfs*8) have been determined to be pathogenic (Invitae). This suggests that this is a clinically significant region of the protein, and that variants that disrupt it are likely to be disease-causing. For these reasons, this variant has been classified as Pathogenic.

NM_001370259.2(MEN1):c.1621del (p.Thr541fs)

Gene: MEN1 (menin 1; minus strand). Cytogenetic location: 11q13.1.
Variant type: Deletion.
Coding change: c.1621del on transcript NM_001370259.2 (MANE Select); coding-DNA position 1621, one base deleted (A; older notation c.1621delA).
Protein change: p.Thr541fs; shifts the reading frame from threonine 541.
Molecular consequence: frameshift variant. On other transcripts: non-coding transcript variant (4).
Genome position (GRCh38, 1-based): chr11:64,804,546, T deleted on the plus strand (A on the coding strand, the reverse complement: MEN1 is on the minus strand). VCF-style (leftmost placement, unchanged base first): chr11-64804545-GT-G. GRCh37 (hg19) VCF-style: chr11-64572017-GT-G.
Other names: c.1636del, p.Thr546fs (NM_000244.4, NM_001407145.1, NM_130800.3 and 4 more transcripts); c.1747del, p.Thr583fs (NM_001370251.2, NM_001407142.1, NM_001407143.1 and 1 more transcripts); c.1621del, p.Thr541fs (NM_001370260.2, NM_001370261.2, NM_001407146.1 and 2 more transcripts); c.1516del, p.Thr506fs (NM_001370262.2, NM_001370263.2, NM_001407148.1 and 1 more transcripts); c.1762del, p.Thr588fs (NM_001407150.1); c.1642del, p.Thr548fs (NM_001407151.1); c.1456del, p.Thr486fs (NM_001407152.1); short protein forms T583fs, T588fs, T506fs, T541fs, T546fs, T486fs, T548fs.
Identifiers: ClinVar variation 3642854 (VCV003642854.2).
Genomic context (GRCh38, chr11:64,804,545, plus strand): 5'-ATGCCCTTCATCTTCTCACTCTGGAAAGTGAGCACTGGACCCTCCGGCGGTGGTGATGCT[GT>G]GGGTGCTGGCACCTGAGCCGTGCTGCCACCTTCAGGGCCTCGGGCTGTGCCAGCGACAGT-3'